The following is an entry in ClinVar:

ClinVar aggregate classification (germline): Uncertain significance. Review status: criteria provided, multiple submitters, no conflicts (2 of 4 stars). 4 submissions from 4 submitters: Uncertain significance (4). Last evaluated 2025-07-01.

Conditions:
LRP5-related disorder. Also called: LRP5-related condition.

Allele frequency attached by ClinVar (database versions not stated): gnomAD exomes below 0.00001; TOPMed below 0.00001; ExAC 0.00001; gnomAD 0.00001.
gnomAD v4.1: 6 of 1,613,364 alleles (0.00037%); highest among the groups gnomAD compares: African/African-American, 0.0013%; no homozygotes.

Submissions (4):

Labcorp Genetics (formerly Invitae), Labcorp
Classification: Uncertain significance. Last evaluated: 2025-07-01. Review status: criteria provided, single submitter. Criteria: Invitae Variant Classification Sherloc (09022015). Collection method: clinical testing. Allele origin: germline.
Comment: This sequence change replaces arginine, which is basic and polar, with tryptophan, which is neutral and slightly polar, at codon 870 of the LRP5 protein (p.Arg870Trp). This variant is present in population databases (rs769188092, gnomAD 0.0009%). This variant has not been reported in the literature in individuals affected with LRP5-related conditions. ClinVar contains an entry for this variant (Variation ID: 374496). Invitae Evidence Modeling of protein sequence and biophysical properties (such as structural, functional, and spatial information, amino acid conservation, physicochemical variation, residue mobility, and thermodynamic stability) has been performed for this missense variant. However, the output from this modeling did not meet the statistical confidence thresholds required to predict the impact of this variant on LRP5 protein function. In summary, the available evidence is currently insufficient to determine the role of this variant in disease. Therefore, it has been classified as a Variant of Uncertain Significance.

PreventionGenetics, part of Exact Sciences
Classification: Uncertain significance for LRP5-related condition. Last evaluated: 2025-06-23. Review status: criteria provided, single submitter. Criteria: ACMG Guidelines, 2015. Collection method: clinical testing. Allele origin: germline.
Comment: The LRP5 c.2608C>T variant is predicted to result in the amino acid substitution p.Arg870Trp. To our knowledge, this variant has not been reported in the literature. This variant is reported in 0.00088% of alleles in individuals of European (Non-Finnish) descent in gnomAD. At this time, the clinical significance of this variant is uncertain due to the absence of conclusive functional and genetic evidence.

Blueprint Genetics
Classification: Uncertain significance. Last evaluated: 2024-02-20. Review status: criteria provided, single submitter. Criteria: ACMG Guidelines, 2015. Collection method: clinical testing. Allele origin: germline.

CeGaT Center for Human Genetics Tuebingen
Classification: Uncertain significance. Last evaluated: 2016-08-01. Review status: criteria provided, single submitter. Criteria: CeGaT Center For Human Genetics Tuebingen Variant Classification Criteria Version 2. Collection method: clinical testing. Allele origin: germline. Affected: yes. Observed: 1 variant allele.

NM_002335.4(LRP5):c.2608C>T (p.Arg870Trp)

Gene: LRP5 (LDL receptor related protein 5; plus strand). Cytogenetic location: 11q13.2.
Variant type: single nucleotide variant.
Coding change: c.2608C>T on transcript NM_002335.4 (MANE Select); coding-DNA position 2608, C replaced by T.
Protein change: p.Arg870Trp; replaces arginine 870 with tryptophan.
Molecular consequence: missense variant.
Genome position (GRCh38, 1-based): chr11:68,413,793, C>T. VCF-style: chr11-68413793-C-T. GRCh37 (hg19) VCF-style: chr11-68181261-C-T.
Other names: c.865C>T, p.Arg289Trp (NM_001291902.2); c.2608C>T (NM_002335.3); short protein forms R870W, R289W.
Identifiers: ClinVar variation 374496 (VCV000374496.51), dbSNP rs769188092, ClinGen allele CA6149696.